The following is an entry in ClinVar:

ClinVar aggregate classification (germline): Uncertain significance (1 of 4 stars; one submission).

Conditions:
Cockayne syndrome. Identifiers: Orphanet 191, MedGen C0009207, MONDO:0016006.
Xeroderma pigmentosum, group F (XPF). Also called: ERCC4-Related Xeroderma Pigmentosum; XERODERMA PIGMENTOSUM, COMPLEMENTATION GROUP F; XERODERMA PIGMENTOSUM VI; XP, GROUP F; XERODERMA PIGMENTOSUM, TYPE F; Xeroderma pigmentosum, type 6. Identifiers: MedGen C0268140, MONDO:0010215, OMIM 278760.
Fanconi anemia complementation group Q. Identifiers: Orphanet 84, MedGen C3808988, MONDO:0014108, OMIM 615272.

Submission:

Labcorp Genetics (formerly Invitae), Labcorp
Classification: Uncertain significance for Fanconi anemia complementation group Q; Xeroderma pigmentosum, group F; Cockayne syndrome. Last evaluated: 2022-02-20. Review status: criteria provided, single submitter. Criteria: Invitae Variant Classification Sherloc (09022015). Collection method: clinical testing. Allele origin: germline.
Comment: This sequence change replaces arginine, which is basic and polar, with lysine, which is basic and polar, at codon 138 of the ERCC4 protein (p.Arg138Lys). This variant is not present in population databases (gnomAD no frequency). This variant has not been reported in the literature in individuals affected with ERCC4-related conditions. ClinVar contains an entry for this variant (Variation ID: 566287). Algorithms developed to predict the effect of missense changes on protein structure and function (SIFT, PolyPhen-2, Align-GVGD) all suggest that this variant is likely to be tolerated. In summary, the available evidence is currently insufficient to determine the role of this variant in disease. Therefore, it has been classified as a Variant of Uncertain Significance.

NM_005236.3(ERCC4):c.413G>A (p.Arg138Lys)

Gene: ERCC4 (ERCC excision repair 4, endonuclease catalytic subunit; plus strand). Cytogenetic location: 16p13.12.
Variant type: single nucleotide variant.
Coding change: c.413G>A on transcript NM_005236.3 (MANE Select); coding-DNA position 413, G replaced by A.
Protein change: p.Arg138Lys; replaces arginine 138 with lysine.
Molecular consequence: missense variant.
Genome position (GRCh38, 1-based): chr16:13,926,585, G>A. VCF-style: chr16-13926585-G-A. GRCh37 (hg19) VCF-style: chr16-14020442-G-A.
Other names: short protein forms R138K.
Identifiers: ClinVar variation 566287 (VCV000566287.8), dbSNP rs1567243693, ClinGen allele CA394819595.